The following is an entry in ClinVar:

NM_014225.6(PPP2R1A):c.839A>G (p.Lys280Arg)

Gene: PPP2R1A (protein phosphatase 2 scaffold subunit Aalpha; plus strand). Cytogenetic location: 19q13.41.
Variant type: single nucleotide variant.
Coding change: c.839A>G on transcript NM_014225.6 (MANE Select); coding-DNA position 839, A replaced by G.
Protein change: p.Lys280Arg; replaces lysine 280 with arginine.
Molecular consequence: missense variant. On other transcripts: non-coding transcript variant (1).
Genome position (GRCh38, 1-based): chr19:52,215,810, A>G. VCF-style: chr19-52215810-A-G. GRCh37 (hg19) VCF-style: chr19-52719063-A-G.
Other names: c.302A>G, p.Lys101Arg (NM_001363656.2); short protein forms K101R, K280R.
Identifiers: ClinVar variation 2413100 (VCV002413100.3), dbSNP rs2514094810, ClinGen allele CA407186219.
Genomic context (GRCh38, chr19:52,215,810, plus strand): 5'-ACTCTCCCCCTCCTCCTTCCTGTCTGCAGCTCCAGAAAGCAGTGGGGCCTGAGATCACCA[A>G]GACAGACCTGGTCCCTGCCTTCCAGAACCTGATGAAAGACTGTGAGGCCGAGGTGAGGGC-3'
Protein context (NP_055040.2, residues 270-290): LQKAVGPEIT[Lys280Arg]TDLVPAFQNL

ClinVar aggregate classification (germline): Uncertain significance (1 of 4 stars; one submission).

Submission:

GeneDx
Classification: Uncertain significance. Last evaluated: 2023-01-26. Review status: criteria provided, single submitter. Criteria: GeneDx Variant Classification Process June 2021. Collection method: clinical testing. Allele origin: germline. Affected: yes.
Comment: Not observed at significant frequency in large population cohorts (gnomAD); In silico analysis supports that this missense variant does not alter protein structure/function; Has not been previously published as pathogenic or benign to our knowledge